The following is an entry in ClinVar:

NM_004655.4(AXIN2):c.1511G>A (p.Gly504Asp)

Gene: AXIN2 (axin 2; minus strand). Cytogenetic location: 17q24.1.
Variant type: single nucleotide variant.
Coding change: c.1511G>A on transcript NM_004655.4 (MANE Select); coding-DNA position 1511, G replaced by A.
Protein change: p.Gly504Asp; replaces glycine 504 with aspartic acid.
Molecular consequence: missense variant.
Genome position (GRCh38, 1-based): chr17:65,537,525, C>T on the plus strand (G>A on the coding strand, the complement: AXIN2 is on the minus strand). VCF-style: chr17-65537525-C-T. GRCh37 (hg19) VCF-style: chr17-63533643-C-T.
Other names: c.1511G>A (LRG_296t1); c.1511G>A, p.Gly504Asp (NM_001363813.1); short protein forms G504D.
Identifiers: ClinVar variation 408843 (VCV000408843.15), dbSNP rs754079144, ClinGen allele CA8718625.

ClinVar aggregate classification (germline): Uncertain significance. Review status: criteria provided, multiple submitters, no conflicts (2 of 4 stars). 3 submissions from 3 submitters: Uncertain significance (3). Last evaluated 2025-12-02.

Conditions:
Colorectal cancer. Also called: Colorectal cancer, somatic; Malignant Colorectal Neoplasm. Identifiers: MedGen C0346629, MONDO:0005575, OMIM 114500.
Hereditary cancer-predisposing syndrome. Also called: Hereditary Cancer Syndrome; Hereditary neoplastic syndrome; Neoplastic Syndromes, Hereditary; Tumor predisposition. Identifiers: Orphanet 140162, MedGen C0027672, MeSH D009386, MONDO:0015356.
Oligodontia-cancer predisposition syndrome. Also called: TOOTH AGENESIS-COLORECTAL CANCER SYNDROME. Identifiers: Orphanet 300576, MedGen C1837750, MONDO:0012075, OMIM 608615. Disease mechanism: loss of function.

Allele frequency attached by ClinVar (database versions not stated): gnomAD exomes below 0.00001 and 0.00001; ExAC 0.00001; TOPMed 0.00003.

Submissions (3):

Labcorp Genetics (formerly Invitae), Labcorp
Classification: Uncertain significance for Oligodontia-cancer predisposition syndrome. Last evaluated: 2025-12-02. Review status: criteria provided, single submitter. Criteria: Invitae Variant Classification Sherloc (09022015). Collection method: clinical testing. Allele origin: germline.
Comment: This sequence change replaces glycine, which is neutral and non-polar, with aspartic acid, which is acidic and polar, at codon 504 of the AXIN2 protein (p.Gly504Asp). This variant is present in population databases (rs754079144, gnomAD 0.009%). This variant has not been reported in the literature in individuals affected with AXIN2-related conditions. ClinVar contains an entry for this variant (Variation ID: 408843). Invitae Evidence Modeling of protein sequence and biophysical properties (such as structural, functional, and spatial information, amino acid conservation, physicochemical variation, residue mobility, and thermodynamic stability) indicates that this missense variant is not expected to disrupt AXIN2 protein function with a negative predictive value of 80%. In summary, the available evidence is currently insufficient to determine the role of this variant in disease. Therefore, it has been classified as a Variant of Uncertain Significance.

Ambry Genetics
Classification: Uncertain significance for Hereditary cancer-predisposing syndrome. Last evaluated: 2024-01-05. Review status: criteria provided, single submitter. Criteria: Ambry Variant Classification Scheme 2023. Collection method: clinical testing. Allele origin: germline.
Comment: The p.G504D variant (also known as c.1511G>A), located in coding exon 5 of the AXIN2 gene, results from a G to A substitution at nucleotide position 1511. The glycine at codon 504 is replaced by aspartic acid, an amino acid with similar properties. This amino acid position is well conserved in available vertebrate species. In addition, this alteration is predicted to be tolerated by in silico analysis. Since supporting evidence is limited at this time, the clinical significance of this alteration remains unclear.

Baylor Genetics
Classification: Uncertain significance for Colorectal cancer. Last evaluated: 2023-10-12. Review status: criteria provided, single submitter. Criteria: ACMG Guidelines, 2015. Collection method: clinical testing. Allele origin: unknown.